The following is an entry in ClinVar:

ClinVar aggregate classification (germline): Likely benign. Review status: criteria provided, single submitter (1 of 4 stars). 2 submissions from 2 submitters: Likely benign (1). 1 of the submissions does not count toward it. Last evaluated 2022-12-02.

Conditions:
KIDINS220-related disorder. Also called: KIDINS220-related condition.

Allele frequency attached by ClinVar (database versions not stated): TOPMed 0.00001; gnomAD exomes 0.00002; ESP Exome Variant Server 0.00008.
gnomAD v4.1: 22 of 1,609,366 alleles (0.0014%); highest among the groups gnomAD compares: Non-Finnish European, 0.0019%; no homozygotes.

Submissions (2):

Labcorp Genetics (formerly Invitae), Labcorp
Classification: Likely benign. Last evaluated: 2022-12-02. Review status: criteria provided, single submitter. Criteria: Invitae Variant Classification Sherloc (09022015). Collection method: clinical testing. Allele origin: germline.

PreventionGenetics, part of Exact Sciences
Classification: Likely benign for KIDINS220-related condition. Last evaluated: 2021-09-27. Review status: no assertion criteria provided. Collection method: clinical testing. Allele origin: germline. Not counted in ClinVar's aggregate classification.
Comment: This variant is classified as likely benign based on ACMG/AMP sequence variant interpretation guidelines (Richards et al. 2015 PMID: 25741868, with internal and published modifications).

NM_020738.4(KIDINS220):c.531T>A (p.Ala177=)

Gene: KIDINS220 (kinase D interacting substrate 220; minus strand). Cytogenetic location: 2p25.1.
Variant type: single nucleotide variant.
Coding change: c.531T>A on transcript NM_020738.4 (MANE Select); coding-DNA position 531, T replaced by A.
Protein change: p.Ala177=; no amino-acid change (alanine 177 retained).
Molecular consequence: synonymous variant. On other transcripts: non-coding transcript variant (2).
Genome position (GRCh38, 1-based): chr2:8,806,343, A>T on the plus strand (T>A on the coding strand, the complement: KIDINS220 is on the minus strand). VCF-style: chr2-8806343-A-T. GRCh37 (hg19) VCF-style: chr2-8946473-A-T.
Other names: c.531T>A (NM_020738.2); c.534T>A, p.Ala178= (NM_001348729.2, NM_001348731.2, NM_001348734.2 and 3 more transcripts); c.531T>A, p.Ala177= (NM_001348732.2, NM_001348735.2, NM_001348738.2 and 3 more transcripts); c.405T>A, p.Ala135= (NM_001348736.2).
Identifiers: ClinVar variation 2966219 (VCV002966219.5), dbSNP rs372275689, ClinGen allele CA42351679.